The following is an entry in ClinVar:

ClinVar aggregate classification (germline): Uncertain significance. Review status: criteria provided, single submitter (1 of 4 stars). 2 submissions from 2 submitters: Uncertain significance (1). 1 of the submissions does not count toward it. Last evaluated 2025-07-30.

Conditions:
Breast-ovarian cancer, familial, susceptibility to, 2 (BROVCA2). Also called: BRCA2 Hereditary Breast and Ovarian Cancer. Identifiers: Orphanet 145, MedGen C2675520, MONDO:0012933, OMIM 612555. Disease mechanism: loss of function.
Hereditary breast ovarian cancer syndrome. Also called: Breast and ovarian cancer; Hereditary breast and ovarian cancer; Hereditary breast and ovarian cancer syndrome; Hereditary breast and ovarian cancer syndrome (HBOC); Hereditary breast and/or ovarian cancer syndrome; BRCA1- and BRCA2-Associated Hereditary Breast and Ovarian Cancer. Identifiers: Orphanet 145, MedGen C0677776, MeSH D061325, MONDO:0003582. Disease mechanism: loss of function.

Submissions (2):

Labcorp Genetics (formerly Invitae), Labcorp
Classification: Uncertain significance for Hereditary breast ovarian cancer syndrome. Last evaluated: 2025-07-30. Review status: criteria provided, single submitter. Criteria: Invitae Variant Classification Sherloc (09022015). Collection method: clinical testing. Allele origin: germline.
Comment: This sequence change replaces tyrosine, which is neutral and polar, with asparagine, which is neutral and polar, at codon 2660 of the BRCA2 protein (p.Tyr2660Asn). This variant is not present in population databases (gnomAD no frequency). This variant has not been reported in the literature in individuals affected with BRCA2-related conditions. ClinVar contains an entry for this variant (Variation ID: 2692251). An algorithm developed to predict the effect of missense changes on protein structure and function (PolyPhen-2) suggests that this variant is likely to be disruptive. This variant disrupts the p.Tyr2660 amino acid residue in BRCA2. Other variant(s) that disrupt this residue have been determined to be pathogenic (PMID: 16683254, 19200354, 19563646, 20406929). This suggests that this residue is clinically significant, and that variants that disrupt this residue are likely to be disease-causing. In summary, the available evidence is currently insufficient to determine the role of this variant in disease. Therefore, it has been classified as a Variant of Uncertain Significance.

BRCAlab, Lund University
Classification: Uncertain significance for Breast-ovarian cancer, familial, susceptibility to, 2. Last evaluated: 2020-03-02. Review status: no assertion criteria provided. Collection method: clinical testing. Allele origin: germline. Affected: yes. Not counted in ClinVar's aggregate classification.

Literature cited by the submitters: PubMed 16683254 (cited by Labcorp Genetics (formerly Invitae), Labcorp); PubMed 19200354 (cited by Labcorp Genetics (formerly Invitae), Labcorp); PubMed 19563646 (cited by Labcorp Genetics (formerly Invitae), Labcorp); PubMed 20406929 (cited by Labcorp Genetics (formerly Invitae), Labcorp).

NM_000059.4(BRCA2):c.7978T>A (p.Tyr2660Asn)

Gene: BRCA2 (BRCA2 DNA repair associated; plus strand). Cytogenetic location: 13q13.1.
Variant type: single nucleotide variant.
Coding change: c.7978T>A on transcript NM_000059.4 (MANE Select); coding-DNA position 7978, T replaced by A.
Protein change: p.Tyr2660Asn; replaces tyrosine 2660 with asparagine.
Molecular consequence: missense variant. On other transcripts: non-coding transcript variant (1).
Genome position (GRCh38, 1-based): chr13:32,363,180, T>A. VCF-style: chr13-32363180-T-A. GRCh37 (hg19) VCF-style: chr13-32937317-T-A.
Other names: c.7882T>A, p.Tyr2628Asn (NM_001406719.1); c.7978T>A, p.Tyr2660Asn (NM_001406720.1); c.3046T>A, p.Tyr1016Asn (NM_001406721.1); c.1561T>A, p.Tyr521Asn (NM_001406722.1); short protein forms Y1016N, Y2628N, Y2660N, Y521N.
Identifiers: ClinVar variation 2692251 (VCV002692251.3), dbSNP rs80359029, ClinGen allele CA387748459.